The following is an entry in ClinVar:

NC_000003.11:g.(?_180369169)_(180369341_?)dup

Gene: CCDC39 (coiled-coil domain 39 molecular ruler complex subunit; minus strand). Cytogenetic location: 3q26.33.
Variant type: Duplication.
Identifiers: ClinVar variation 454498 (VCV000454498.15).

ClinVar aggregate classification (germline): Pathogenic (1 of 4 stars; one submission).

Conditions:
Primary ciliary dyskinesia. Also called: Ciliary dyskinesia. Identifiers: Orphanet 244, MedGen C0008780, MONDO:0016575, HP:0012265.

Submission:

Labcorp Genetics (formerly Invitae), Labcorp
Classification: Pathogenic for Primary ciliary dyskinesia. Last evaluated: 2017-04-10. Review status: criteria provided, single submitter. Criteria: Invitae Variant Classification Sherloc (09022015). Collection method: clinical testing. Allele origin: germline.
Comment: This variant has not been reported in the literature in individuals with a CCDC39-related disease. However, it has been observed with a pathogenic variant (c.610-2A>G) in CCDC39 in an individual with primary ciliary dyskinesia (Invitae). While it is unknown if these two variants are on the same or opposite chromosomes, this observation suggests that the duplication of this exon may contribute to the cause of disease. For these reasons, this variant has been classified as Pathogenic. This variant is a gross duplication of the genomic region encompassing exon 9 of the CCDC39 gene. While the exact position of the duplicated exon cannot be determined from this data, the duplicated copy of this region is likely in tandem and may result in an absent or disrupted protein product.